The following is an entry in ClinVar:

ClinVar aggregate classification (germline): Likely pathogenic (1 of 4 stars; one submission).

Allele frequency attached by ClinVar (database versions not stated): gnomAD exomes below 0.00001; ExAC 0.00001.
gnomAD v4.1: 7 of 1,614,130 alleles (0.00043%); highest among the groups gnomAD compares: South Asian, 0.0011%; no homozygotes.

Submission:

Athena Diagnostics
Classification: Likely pathogenic. Last evaluated: 2019-01-02. Review status: criteria provided, single submitter. Criteria: Athena Diagnostics Criteria. Collection method: clinical testing. Allele origin: germline.
Comment: The variant creates a premature nonsense codon, and is therefore predicted to result in the loss of a functional protein. The best available variant frequency is uninformative because there are too few occurrences in population data.

NM_182961.4(SYNE1):c.20602C>T (p.Arg6868Ter)

Gene: SYNE1 (spectrin repeat containing nuclear envelope protein 1; minus strand). Cytogenetic location: 6q25.2.
Variant type: single nucleotide variant.
Coding change: c.20602C>T on transcript NM_182961.4 (MANE Select); coding-DNA position 20602, C replaced by T.
Protein change: p.Arg6868Ter; replaces arginine 6868 with a stop codon.
Molecular consequence: nonsense.
Genome position (GRCh38, 1-based): chr6:152,233,891, G>A on the plus strand (C>T on the coding strand, the complement: SYNE1 is on the minus strand). VCF-style: chr6-152233891-G-A. GRCh37 (hg19) VCF-style: chr6-152555026-G-A.
Other names: c.20389C>T, p.Arg6797Ter (NM_033071.5); short protein forms R6868*, R6797*.
Identifiers: ClinVar variation 805562 (VCV000805562.1), dbSNP rs763818494, ClinGen allele CA4054387.